The following is an entry in ClinVar:

NM_004369.4(COL6A3):c.8966-199A>G

Gene: COL6A3 (collagen type VI alpha 3 chain; minus strand). Cytogenetic location: 2q37.3.
Variant type: single nucleotide variant.
Coding change: c.8966-199A>G on transcript NM_004369.4 (MANE Select); 199 bases into the intron before coding-DNA position 8966, A replaced by G.
Molecular consequence: intron variant.
Genome position (GRCh38, 1-based): chr2:237,335,088, T>C on the plus strand (A>G on the coding strand, the complement: COL6A3 is on the minus strand). VCF-style: chr2-237335088-T-C. GRCh37 (hg19) VCF-style: chr2-238243731-T-C.
Other names: c.7145-199A>G (NM_057166.5); c.8348-199A>G (NM_057167.4).
Identifiers: ClinVar variation 679586 (VCV000679586.1), dbSNP rs78399149, ClinGen allele CA67829769.

ClinVar aggregate classification (germline): Likely benign (1 of 4 stars; one submission).

Allele frequency attached by ClinVar (database versions not stated): gnomAD 0.00334 and 0.00361; 1000 Genomes Project 30x 0.00375; TOPMed 0.00377; 1000 Genomes Project 0.00399.
gnomAD v4.1: 502 of 152,296 alleles (0.33%); highest among the groups gnomAD compares: African/African-American, 1.2%; 4 homozygotes.

Submission:

GeneDx
Classification: Likely benign. Last evaluated: 2018-06-14. Review status: criteria provided, single submitter. Criteria: GeneDx Variant Classification (06012015). Collection method: clinical testing. Allele origin: germline. Affected: yes.
Comment: This variant is considered likely benign or benign based on one or more of the following criteria: it is a conservative change, it occurs at a poorly conserved position in the protein, it is predicted to be benign by multiple in silico algorithms, and/or has population frequency not consistent with disease.